The following is an entry in ClinVar:

ClinVar aggregate classification (germline): Benign. Review status: criteria provided, multiple submitters, no conflicts (2 of 4 stars). 5 submissions from 5 submitters: Benign (5). Last evaluated 2026-02-03.

Conditions:
Epidermolysis bullosa simplex. Also called: Epidermolysis bullosa simplex, Weber-Cockayne type (subtype); Epidermolysis bullosa simplex, Dowling-Meara type (subtype); Epidermolysis bullosa simplex with mottled pigmentation (subtype). Identifiers: Orphanet 304, MedGen C0079298, MONDO:0017610.

Allele frequency attached by ClinVar (database versions not stated): gnomAD exomes 0.13173; 1000 Genomes Project 0.13818; 1000 Genomes Project 30x 0.14007; gnomAD 0.15994 and 0.16492; TOPMed 0.16128; ESP Exome Variant Server 0.16339.
gnomAD v4.1: 217,511 of 1,613,858 alleles (13%); highest among the groups gnomAD compares: African/African-American, 22%; 15,698 homozygotes.

Submissions (5):

Labcorp Genetics (formerly Invitae), Labcorp
Classification: Benign. Last evaluated: 2026-02-03. Review status: criteria provided, single submitter. Criteria: Invitae Variant Classification Sherloc (09022015). Collection method: clinical testing. Allele origin: germline.

Illumina Laboratory Services, Illumina
Classification: Benign for Epidermolysis bullosa simplex. Last evaluated: 2018-01-12. Review status: criteria provided, single submitter. Criteria: ICSL Variant Classification Criteria 13 December 2019. Collection method: clinical testing. Allele origin: germline.
Comment: This variant was observed in the ICSL laboratory as part of a predisposition screen in an ostensibly healthy population. It had not been previously curated by ICSL or reported in the Human Gene Mutation Database (HGMD: prior to June 1st, 2018), and was therefore a candidate for classification through an automated scoring system. Utilizing variant allele frequency, disease prevalence and penetrance estimates, and inheritance mode, an automated score was calculated to assess if this variant is too frequent to cause the disease. Based on the score and internal cut-off values, a variant classified as benign is not then subjected to further curation. The score for this variant resulted in a classification of benign for this disease.

GeneDx
Classification: Benign. Last evaluated: 2015-03-03. Review status: criteria provided, single submitter. Criteria: GeneDx Variant Classification Process June 2021. Collection method: clinical testing. Allele origin: germline. Affected: yes.

Breakthrough Genomics
Classification: Benign. Review status: criteria provided, single submitter. Criteria: ACMG Guidelines, 2015. Collection method: not provided. Allele origin: germline. Inheritance: Autosomal recessive inheritance. Affected: yes.

PreventionGenetics, part of Exact Sciences
Classification: Benign. Review status: criteria provided, single submitter. Criteria: ACMG Guidelines, 2015. Collection method: clinical testing. Allele origin: germline.

NM_000424.4(KRT5):c.556-15C>T

Genes: KRT5 (keratin 5; minus strand), LOC126861526 (BRD4-independent group 4 enhancer GRCh37_chr12:52912066-52913265; plus strand). Cytogenetic location: 12q13.13.
Variant type: single nucleotide variant.
Coding change: c.556-15C>T on transcript NM_000424.4 (MANE Select); 15 bases into the intron before coding-DNA position 556, C replaced by T.
Molecular consequence: intron variant.
Genome position (GRCh38, 1-based): chr12:52,519,175, G>A on the plus strand (C>T on the coding strand, the complement: KRT5 is on the minus strand). VCF-style: chr12-52519175-G-A. GRCh37 (hg19) VCF-style: chr12-52912959-G-A.
Identifiers: ClinVar variation 256044 (VCV000256044.18), dbSNP rs60314569, ClinGen allele CA6582808.